The following is an entry in ClinVar:

NM_004360.5(CDH1):c.102C>G (p.Ala34=)

Gene: CDH1 (cadherin 1; plus strand). Cytogenetic location: 16q22.1.
Variant type: single nucleotide variant.
Coding change: c.102C>G on transcript NM_004360.5 (MANE Select); coding-DNA position 102, C replaced by G.
Protein change: p.Ala34=; no amino-acid change (alanine 34 retained).
Molecular consequence: synonymous variant. On other transcripts: 5 prime UTR variant (2).
Genome position (GRCh38, 1-based): chr16:68,738,350, C>G. VCF-style: chr16-68738350-C-G. GRCh37 (hg19) VCF-style: chr16-68772253-C-G.
Other names: c.102C>G, p.Ala34= (NM_001317184.2); c.-1514C>G (NM_001317185.2); c.-1718C>G (NM_001317186.2).
Identifiers: ClinVar variation 925227 (VCV000925227.14), dbSNP rs864622213, ClinGen allele CA496149610.

ClinVar aggregate classification (germline): Benign/Likely benign. Review status: criteria provided, multiple submitters, no conflicts (2 of 4 stars). 4 submissions from 4 submitters: Benign (1); Likely benign (3). Last evaluated 2024-09-11.

Conditions:
Hereditary cancer-predisposing syndrome. Also called: Hereditary Cancer Syndrome; Hereditary neoplastic syndrome; Neoplastic Syndromes, Hereditary; Tumor predisposition. Identifiers: Orphanet 140162, MedGen C0027672, MeSH D009386, MONDO:0015356.
Hereditary diffuse gastric adenocarcinoma (HDGC). Also called: DIFFUSE GASTRIC AND LOBULAR BREAST CANCER SYNDROME. Identifiers: Orphanet 26106, MedGen C1708349, MONDO:0007648, OMIM 137215.

Allele frequency attached by ClinVar (database versions not stated): gnomAD exomes below 0.00001.
gnomAD v4.1: 4 of 1,551,376 alleles (0.00026%); highest among the groups gnomAD compares: Non-Finnish European, 0.00035%; no homozygotes.

Submissions (4):

Myriad Genetics, Inc.
Classification: Benign for Hereditary diffuse gastric adenocarcinoma. Last evaluated: 2024-09-11. Review status: criteria provided, single submitter. Criteria: Myriad Autosomal Dominant, Autosomal Recessive and X-Linked Classification Criteria (2023). Collection method: clinical testing. Allele origin: unknown.
Comment: This variant is considered benign. This variant is a silent/synonymous amino acid change and it is not expected to impact splicing.

Labcorp Genetics (formerly Invitae), Labcorp
Classification: Likely benign for Hereditary diffuse gastric adenocarcinoma. Last evaluated: 2023-12-19. Review status: criteria provided, single submitter. Criteria: Invitae Variant Classification Sherloc (09022015). Collection method: clinical testing. Allele origin: germline.

Ambry Genetics
Classification: Likely benign for Hereditary cancer-predisposing syndrome. Last evaluated: 2022-04-11. Review status: criteria provided, single submitter. Criteria: Ambry Variant Classification Scheme 2023. Collection method: clinical testing. Allele origin: germline.

Color Diagnostics, LLC DBA Color Health
Classification: Likely benign for Hereditary cancer-predisposing syndrome. Last evaluated: 2019-07-16. Review status: criteria provided, single submitter. Criteria: ACMG Guidelines, 2015. Collection method: clinical testing. Allele origin: germline.